The following is an entry in ClinVar:

NM_000135.4(FANCA):c.607A>G (p.Met203Val)

Gene: FANCA (FA complementation group A; minus strand). Cytogenetic location: 16q24.3.
Variant type: single nucleotide variant.
Coding change: c.607A>G on transcript NM_000135.4 (MANE Select); coding-DNA position 607, A replaced by G.
Protein change: p.Met203Val; replaces methionine 203 with valine.
Molecular consequence: missense variant.
Genome position (GRCh38, 1-based): chr16:89,805,382, T>C on the plus strand (A>G on the coding strand, the complement: FANCA is on the minus strand). VCF-style: chr16-89805382-T-C. GRCh37 (hg19) VCF-style: chr16-89871790-T-C.
Other names: c.607A>G, p.Met203Val (NM_001018112.3, NM_001286167.3); c.511A>G, p.Met171Val (NM_001351830.2); short protein forms M171V, M203V.
Identifiers: ClinVar variation 1368431 (VCV001368431.5), dbSNP rs2143632366, ClinGen allele CA397478240.

ClinVar aggregate classification (germline): Uncertain significance (1 of 4 stars; one submission).

Conditions:
Fanconi anemia (FA). Also called: Fanconi's anemia. Identifiers: Orphanet 84, MedGen C0015625, MeSH D005199, MONDO:0019391.

Allele frequency attached by ClinVar (database versions not stated): gnomAD exomes 0.00001.
gnomAD v4.1: 5 of 1,613,214 alleles (0.00031%); highest among the groups gnomAD compares: East Asian, 0.0022%; no homozygotes.

Submission:

Labcorp Genetics (formerly Invitae), Labcorp
Classification: Uncertain significance for Fanconi anemia. Last evaluated: 2021-08-26. Review status: criteria provided, single submitter. Criteria: Invitae Variant Classification Sherloc (09022015). Collection method: clinical testing. Allele origin: germline.
Comment: This sequence change replaces methionine with valine at codon 203 of the FANCA protein (p.Met203Val). The methionine residue is weakly conserved and there is a small physicochemical difference between methionine and valine. This variant is not present in population databases (ExAC no frequency). This variant has not been reported in the literature in individuals affected with FANCA-related conditions. Algorithms developed to predict the effect of missense changes on protein structure and function output the following: SIFT: "Tolerated"; PolyPhen-2: "Benign"; Align-GVGD: "Class C0". The valine amino acid residue is found in multiple mammalian species, which suggests that this missense change does not adversely affect protein function. In summary, the available evidence is currently insufficient to determine the role of this variant in disease. Therefore, it has been classified as a Variant of Uncertain Significance.